The following is an entry in ClinVar:

NM_206933.4(USH2A):c.2080T>A (p.Cys694Ser)

Gene: USH2A (usherin; minus strand). Cytogenetic location: 1q41.
Variant type: single nucleotide variant.
Coding change: c.2080T>A on transcript NM_206933.4 (MANE Select); coding-DNA position 2080, T replaced by A.
Protein change: p.Cys694Ser; replaces cysteine 694 with serine.
Molecular consequence: missense variant.
Genome position (GRCh38, 1-based): chr1:216,250,990, A>T on the plus strand (T>A on the coding strand, the complement: USH2A is on the minus strand). VCF-style: chr1-216250990-A-T. GRCh37 (hg19) VCF-style: chr1-216424332-A-T.
Other names: c.2080T>A, p.Cys694Ser (NM_007123.6); short protein forms C694S.
Identifiers: ClinVar variation 813246 (VCV000813246.5), dbSNP rs2036149054, ClinGen allele CA344866383.

ClinVar aggregate classification (germline): Pathogenic/Likely pathogenic. Review status: criteria provided, multiple submitters, no conflicts (2 of 4 stars). 3 submissions from 3 submitters: Pathogenic (2); Likely pathogenic (1). Last evaluated 2023-07-09.

Conditions:
USH2A-related disorder. Also called: USH2A-related disorders; USH2A-related condition. Identifiers: MedGen CN239332.
Retinitis pigmentosa (RP). Identifiers: Orphanet 791, MedGen C0035334, MeSH D012174, MONDO:0019200, OMIM 268000. Inheritance: Autosomal dominant, autosomal recessive and X linked inheritance.

Submissions (3):

Labcorp Genetics (formerly Invitae), Labcorp
Classification: Pathogenic. Last evaluated: 2023-07-09. Review status: criteria provided, single submitter. Criteria: Invitae Variant Classification Sherloc (09022015). Collection method: clinical testing. Allele origin: germline.
Comment: This sequence change replaces cysteine, which is neutral and slightly polar, with serine, which is neutral and polar, at codon 694 of the USH2A protein (p.Cys694Ser). For these reasons, this variant has been classified as Pathogenic. This variant disrupts the p.Cys694 amino acid residue in USH2A. Other variant(s) that disrupt this residue have been determined to be pathogenic (PMID: 20591486, 28041643; Invitae). This suggests that this residue is clinically significant, and that variants that disrupt this residue are likely to be disease-causing. Advanced modeling of protein sequence and biophysical properties (such as structural, functional, and spatial information, amino acid conservation, physicochemical variation, residue mobility, and thermodynamic stability) performed at Invitae indicates that this missense variant is expected to disrupt USH2A protein function. ClinVar contains an entry for this variant (Variation ID: 813246). This missense change has been observed in individuals with retinitis pigmentosa and/or Usher syndrome (PMID: 25649381, 32531858). This variant is not present in population databases (gnomAD no frequency).

Molecular Genetics Laboratory, Institute for Ophthalmic Research
Classification: Pathogenic for Retinitis pigmentosa. Last evaluated: 2020-01-09. Review status: criteria provided, single submitter. Criteria: ACMG Guidelines, 2015. Collection method: research. Allele origin: germline. Affected: yes.

Blueprint Genetics
Classification: Likely pathogenic for USH2A-related disorders. Last evaluated: 2019-07-23. Review status: criteria provided, single submitter. Criteria: ACMG Guidelines, 2015. Collection method: clinical testing. Allele origin: germline. Affected: yes. Observed: 1 variant allele.

Literature cited by the submitters: PubMed 20591486 (cited by Labcorp Genetics (formerly Invitae), Labcorp); PubMed 28041643 (cited by Labcorp Genetics (formerly Invitae), Labcorp); PubMed 25649381 (cited by Labcorp Genetics (formerly Invitae), Labcorp); PubMed 32531858 (cited by Labcorp Genetics (formerly Invitae), Labcorp).